The following is an entry in ClinVar:

NM_005732.4(RAD50):c.3063C>A (p.Asn1021Lys)

Gene: RAD50 (RAD50 double strand break repair protein; plus strand). Cytogenetic location: 5q31.1.
Variant type: single nucleotide variant.
Coding change: c.3063C>A on transcript NM_005732.4 (MANE Select); coding-DNA position 3063, C replaced by A.
Protein change: p.Asn1021Lys; replaces asparagine 1021 with lysine.
Molecular consequence: missense variant.
Genome position (GRCh38, 1-based): chr5:132,616,029, C>A. VCF-style: chr5-132616029-C-A. GRCh37 (hg19) VCF-style: chr5-131951721-C-A.
Other names: c.3063C>A (NM_005732.3); short protein forms N1021K.
Identifiers: ClinVar variation 1047391 (VCV001047391.10), dbSNP rs1751168648, ClinGen allele CA360963472.

ClinVar aggregate classification (germline): Uncertain significance. Review status: criteria provided, multiple submitters, no conflicts (2 of 4 stars). 2 submissions from 2 submitters: Uncertain significance (2). Last evaluated 2025-05-02.

Conditions:
Hereditary cancer-predisposing syndrome. Also called: Hereditary Cancer Syndrome; Tumor predisposition; Hereditary neoplastic syndrome; Neoplastic Syndromes, Hereditary. Identifiers: Orphanet 140162, MedGen C0027672, MeSH D009386, MONDO:0015356.

Submissions (2):

Ambry Genetics
Classification: Uncertain significance for Hereditary cancer-predisposing syndrome. Last evaluated: 2025-05-02. Review status: criteria provided, single submitter. Criteria: Ambry Variant Classification Scheme 2023. Collection method: clinical testing. Allele origin: germline.
Comment: The p.N1021K variant (also known as c.3063C>A), located in coding exon 20 of the RAD50 gene, results from a C to A substitution at nucleotide position 3063. The asparagine at codon 1021 is replaced by lysine, an amino acid with similar properties. This amino acid position is conserved. In addition, this alteration is predicted to be tolerated by in silico analysis. Based on the available evidence, the clinical significance of this variant remains unclear.

Labcorp Genetics (formerly Invitae), Labcorp
Classification: Uncertain significance for Hereditary cancer-predisposing syndrome. Last evaluated: 2020-01-26. Review status: criteria provided, single submitter. Criteria: Invitae Variant Classification Sherloc (09022015). Collection method: clinical testing. Allele origin: germline.
Comment: In summary, the available evidence is currently insufficient to determine the role of this variant in disease. Therefore, it has been classified as a Variant of Uncertain Significance. Algorithms developed to predict the effect of missense changes on protein structure and function are either unavailable or do not agree on the potential impact of this missense change (SIFT: "Deleterious"; PolyPhen-2: "Benign"; Align-GVGD: "Class C0"). This variant has not been reported in the literature in individuals with RAD50-related conditions. This variant is not present in population databases (ExAC no frequency). This sequence change replaces asparagine with lysine at codon 1021 of the RAD50 protein (p.Asn1021Lys). The asparagine residue is highly conserved and there is a moderate physicochemical difference between asparagine and lysine.